The following is an entry in ClinVar:

ClinVar aggregate classification (germline): Uncertain significance (1 of 4 stars; one submission).

Conditions:
Progressive familial heart block type IB (PFHB1B). Identifiers: Orphanet 871, MedGen C1970298, MONDO:0011474, OMIM 604559.

Allele frequency attached by ClinVar (database versions not stated): ExAC 0.00001; gnomAD exomes 0.00001.
gnomAD v4.1: 4 of 1,614,008 alleles (0.00025%); highest among the groups gnomAD compares: Non-Finnish European, 0.00034%; no homozygotes.

Submission:

Labcorp Genetics (formerly Invitae), Labcorp
Classification: Uncertain significance for Progressive familial heart block type IB. Last evaluated: 2022-11-04. Review status: criteria provided, single submitter. Criteria: Invitae Variant Classification Sherloc (09022015). Collection method: clinical testing. Allele origin: germline.
Comment: This sequence change replaces glycine, which is neutral and non-polar, with glutamic acid, which is acidic and polar, at codon 369 of the TRPM4 protein (p.Gly369Glu). This variant is present in population databases (rs757329857, gnomAD 0.0009%). This variant has not been reported in the literature in individuals affected with TRPM4-related conditions. Algorithms developed to predict the effect of missense changes on protein structure and function are either unavailable or do not agree on the potential impact of this missense change (SIFT: "Tolerated"; PolyPhen-2: "Probably Damaging"; Align-GVGD: "Class C0"). In summary, the available evidence is currently insufficient to determine the role of this variant in disease. Therefore, it has been classified as a Variant of Uncertain Significance.

NM_017636.4(TRPM4):c.1106G>A (p.Gly369Glu)

Gene: TRPM4 (transient receptor potential cation channel subfamily M member 4; plus strand). Cytogenetic location: 19q13.33.
Variant type: single nucleotide variant.
Coding change: c.1106G>A on transcript NM_017636.4 (MANE Select); coding-DNA position 1106, G replaced by A.
Protein change: p.Gly369Glu; replaces glycine 369 with glutamic acid.
Molecular consequence: missense variant. On other transcripts: 5 prime UTR variant (1), intron variant (1).
Genome position (GRCh38, 1-based): chr19:49,172,064, G>A. VCF-style: chr19-49172064-G-A. GRCh37 (hg19) VCF-style: chr19-49675321-G-A.
Other names: c.1106G>A, p.Gly369Glu (NM_001195227.2); c.761G>A, p.Gly254Glu (NM_001321281.2); c.-448G>A (NM_001321282.2); c.584G>A, p.Gly195Glu (NM_001321283.2); c.201+295G>A (NM_001321285.2); short protein forms G254E, G369E, G195E.
Identifiers: ClinVar variation 3018207 (VCV003018207.3), dbSNP rs757329857, ClinGen allele CA9569078.
Genomic context (GRCh38, chr19:49,172,064, plus strand): 5'-CACAGGTGGAGAGGATTATGACCCGGAAGGAGCTCCTGACAGTCTATTCTTCTGAGGATG[G>A]GTCTGAGGAATTCGAGACCATAGTTTTGAAGGCCCTTGTGAAGGGTAAAAGTTGTACCCT-3'
Protein context (NP_060106.2, residues 359-379): ELLTVYSSED[Gly369Glu]SEEFETIVLK